The following is an entry in ClinVar:

ClinVar aggregate classification (germline): Pathogenic/Likely pathogenic. Review status: criteria provided, multiple submitters, no conflicts (2 of 4 stars). 2 submissions from 2 submitters: Pathogenic (1); Likely pathogenic (1). Last evaluated 2022-12-20.

Conditions:
ABCA4-related disorder. Also called: ABCA4-related condition; ABCA4-related disorders. Identifiers: MedGen CN239167.

Submissions (2):

Labcorp Genetics (formerly Invitae), Labcorp
Classification: Pathogenic. Last evaluated: 2022-12-20. Review status: criteria provided, single submitter. Criteria: Invitae Variant Classification Sherloc (09022015). Collection method: clinical testing. Allele origin: germline.
Comment: This sequence change creates a premature translational stop signal (p.Leu874Phefs*27) in the ABCA4 gene. It is expected to result in an absent or disrupted protein product. Loss-of-function variants in ABCA4 are known to be pathogenic (PMID: 10958761, 24938718, 25312043, 26780318). This variant is not present in population databases (gnomAD no frequency). This variant has not been reported in the literature in individuals affected with ABCA4-related conditions. ClinVar contains an entry for this variant (Variation ID: 971073). For these reasons, this variant has been classified as Pathogenic.

Blueprint Genetics
Classification: Likely pathogenic for ABCA4-related disorders. Last evaluated: 2021-08-12. Review status: criteria provided, single submitter. Criteria: ACMG Guidelines, 2015. Collection method: clinical testing. Allele origin: germline. Affected: yes. Observed: 2 variant alleles.

Literature cited by the submitters: PubMed 10958761 (cited by Labcorp Genetics (formerly Invitae), Labcorp); PubMed 24938718 (cited by Labcorp Genetics (formerly Invitae), Labcorp); PubMed 25312043 (cited by Labcorp Genetics (formerly Invitae), Labcorp); PubMed 26780318 (cited by Labcorp Genetics (formerly Invitae), Labcorp).

NM_000350.3(ABCA4):c.2616del (p.Leu874fs)

Gene: ABCA4 (ATP binding cassette subfamily A member 4; minus strand). Cytogenetic location: 1p22.1.
Variant type: Deletion.
Coding change: c.2616del on transcript NM_000350.3 (MANE Select); coding-DNA position 2616, one base deleted (C; older notation c.2616delC).
Protein change: p.Leu874fs; shifts the reading frame from leucine 874.
Molecular consequence: frameshift variant.
Genome position (GRCh38, 1-based): chr1:94,051,670, G deleted on the plus strand (C on the coding strand, the reverse complement: ABCA4 is on the minus strand). VCF-style (leftmost placement, unchanged base first): chr1-94051669-AG-A. GRCh37 (hg19) VCF-style: chr1-94517225-AG-A.
Other names: c.2394delC, p.Leu800Phefs (NM_001425324.1); short protein forms L874fs.
Identifiers: ClinVar variation 971073 (VCV000971073.9), dbSNP rs1660844241, ClinGen allele CA1139656224.